The following is an entry in ClinVar:

NM_006231.4(POLE):c.6165C>T (p.Val2055=)

Gene: POLE (DNA polymerase epsilon, catalytic subunit; minus strand). Cytogenetic location: 12q24.33.
Variant type: single nucleotide variant.
Coding change: c.6165C>T on transcript NM_006231.4 (MANE Select); coding-DNA position 6165, C replaced by T.
Protein change: p.Val2055=; no amino-acid change (valine 2055 retained).
Molecular consequence: synonymous variant.
Genome position (GRCh38, 1-based): chr12:132,632,480, G>A on the plus strand (C>T on the coding strand, the complement: POLE is on the minus strand). VCF-style: chr12-132632480-G-A. GRCh37 (hg19) VCF-style: chr12-133209066-G-A.
Identifiers: ClinVar variation 413549 (VCV000413549.18), dbSNP rs1035847971, ClinGen allele CA16613584.

ClinVar aggregate classification (germline): Likely benign. Review status: criteria provided, multiple submitters, no conflicts (2 of 4 stars). 3 submissions from 3 submitters: Likely benign (2). 1 of the submissions does not count toward it. Last evaluated 2025-10-21.

Conditions:
POLE-related disorder. Also called: POLE-related condition; POLE-related disorders.
Hereditary cancer-predisposing syndrome. Also called: Neoplastic Syndromes, Hereditary; Tumor predisposition; Hereditary Cancer Syndrome; Hereditary neoplastic syndrome. Identifiers: Orphanet 140162, MedGen C0027672, MeSH D009386, MONDO:0015356.

Allele frequency attached by ClinVar (database versions not stated): gnomAD exomes below 0.00001; TOPMed below 0.00001; gnomAD 0.00001.
gnomAD v4.1: 11 of 1,613,916 alleles (0.00068%); highest among the groups gnomAD compares: East Asian, 0.0045%; no homozygotes.

Submissions (3):

Labcorp Genetics (formerly Invitae), Labcorp
Classification: Likely benign. Last evaluated: 2025-10-21. Review status: criteria provided, single submitter. Criteria: Invitae Variant Classification Sherloc (09022015). Collection method: clinical testing. Allele origin: germline.

Ambry Genetics
Classification: Likely benign for Hereditary cancer-predisposing syndrome. Last evaluated: 2016-09-19. Review status: criteria provided, single submitter. Criteria: Ambry Variant Classification Scheme 2023. Collection method: clinical testing. Allele origin: germline.

PreventionGenetics, part of Exact Sciences
Classification: Likely benign for POLE-related condition. Last evaluated: 2024-01-08. Review status: no assertion criteria provided. Collection method: clinical testing. Allele origin: germline. Not counted in ClinVar's aggregate classification.
Comment: This variant is classified as likely benign based on ACMG/AMP sequence variant interpretation guidelines (Richards et al. 2015 PMID: 25741868, with internal and published modifications).